The following is an entry in ClinVar:

ClinVar aggregate classification (germline): Likely pathogenic (1 of 4 stars; one submission).

Conditions:
Dilated cardiomyopathy 1G (CMD1G). Identifiers: Orphanet 154, MedGen C1858763, MONDO:0011400, OMIM 604145.
Autosomal recessive limb-girdle muscular dystrophy type 2J (LGMDR10). Also called: Limb-girdle muscular dystrophy, type 2J; MUSCULAR DYSTROPHY, LIMB-GIRDLE, AUTOSOMAL RECESSIVE 10. Identifiers: Orphanet 140922, MedGen C1837342, MONDO:0012127, OMIM 608807.

Submission:

Labcorp Genetics (formerly Invitae), Labcorp
Classification: Likely pathogenic for Dilated cardiomyopathy 1G; Autosomal recessive limb-girdle muscular dystrophy type 2J. Last evaluated: 2022-08-08. Review status: criteria provided, single submitter. Criteria: Invitae Variant Classification Sherloc (09022015). Collection method: clinical testing. Allele origin: germline.
Comment: In summary, the currently available evidence indicates that the variant is pathogenic, but additional data are needed to prove that conclusively. Therefore, this variant has been classified as Likely Pathogenic. This variant is located in the A band of TTN (PMID: 25589632). Truncating variants in this region are significantly overrepresented in patients affected with dilated cardiomyopathy (PMID: 25589632). Truncating variants in this region have also been reported in individuals affected with autosomal recessive centronuclear myopathy (PMID: 23975875). This variant has not been reported in the literature in individuals affected with TTN-related conditions. This variant is not present in population databases (gnomAD no frequency). This sequence change creates a premature translational stop signal (p.Trp22497*) in the TTN gene. While this is not anticipated to result in nonsense mediated decay, it is expected to create a truncated TTN protein.

Literature cited by the submitters: PubMed 25589632; PubMed 23975875.

NM_001267550.2(TTN):c.67490G>A (p.Trp22497Ter)

Genes: TTN (titin; minus strand), TTN-AS1 (TTN antisense RNA 1; plus strand), LOC126806423 (CDK7 strongly-dependent group 2 enhancer GRCh37_chr2:179443309-179444508; plus strand). Cytogenetic location: 2q31.2.
Variant type: single nucleotide variant.
Coding change: c.67490G>A on transcript NM_001267550.2 (MANE Select); coding-DNA position 67490, G replaced by A.
Protein change: p.Trp22497Ter; replaces tryptophan 22497 with a stop codon.
Molecular consequence: nonsense.
Genome position (GRCh38, 1-based): chr2:178,579,707, C>T on the plus strand (G>A on the coding strand, the complement: TTN is on the minus strand). VCF-style: chr2-178579707-C-T. GRCh37 (hg19) VCF-style: chr2-179444434-C-T.
Other names: c.62567G>A, p.Trp20856Ter (NM_001256850.1); c.40295G>A, p.Trp13432Ter (NM_003319.4); c.59786G>A, p.Trp19929Ter (NM_133378.4); c.40670G>A, p.Trp13557Ter (NM_133432.3); c.40871G>A, p.Trp13624Ter (NM_133437.4); short protein forms W19929*, W13557*, W13624*, W22497*, W13432*, W20856*.
Identifiers: ClinVar variation 2109698 (VCV002109698.4), dbSNP rs2468896662, ClinGen allele CA349423643.